The following is an entry in ClinVar:

NM_004999.4(MYO6):c.3171G>C (p.Leu1057Phe)

Gene: MYO6 (myosin VI; plus strand). Cytogenetic location: 6q14.1.
Variant type: single nucleotide variant.
Coding change: c.3171G>C on transcript NM_004999.4 (MANE Select); coding-DNA position 3171, G replaced by C.
Protein change: p.Leu1057Phe; replaces leucine 1057 with phenylalanine.
Molecular consequence: missense variant. On other transcripts: intron variant (4).
Genome position (GRCh38, 1-based): chr6:75,898,406, G>C. VCF-style: chr6-75898406-G-C. GRCh37 (hg19) VCF-style: chr6-76608123-G-C.
Other names: c.3198G>C, p.Leu1066Phe (NM_001368865.1, NM_001368866.1); c.3164+3146G>C (NM_001368137.1); c.3107+5716G>C (NM_001300899.2, NM_001368136.1); c.3092+5716G>C (NM_001368138.1); c.3171G>C (NM_004999.3); short protein forms L1057F, L1066F.
Identifiers: ClinVar variation 287883 (VCV000287883.7), dbSNP rs762612311, ClinGen allele CA3897615.
Genomic context (GRCh38, chr6:75,898,406, plus strand): 5'-CATATTGTATTATCGTTTTTCTTGTAGGGAACAAATGGCCAAAGAAATGTCAGAATTTTT[G>C]AGTAGGTTAGTGCAGTGTAATTGGGGGAAATAAGTGTTCACCTCAAAATCATATTTTTAA-3'
Protein context (NP_004990.3, residues 1047-1067): EQMAKEMSEF[Leu1057Phe]SRGPAVLATK

ClinVar aggregate classification (germline): Uncertain significance. Review status: criteria provided, multiple submitters, no conflicts (2 of 4 stars). 2 submissions from 2 submitters: Uncertain significance (2). Last evaluated 2025-07-27.

Allele frequency attached by ClinVar (database versions not stated): gnomAD exomes 0.00001; ExAC 0.00002; TOPMed 0.00002; gnomAD 0.00003.
gnomAD v4.1: 13 of 1,609,222 alleles (0.00081%); highest among the groups gnomAD compares: Non-Finnish European, 0.0011%; no homozygotes.

Submissions (2):

GeneDx
Classification: Uncertain significance. Last evaluated: 2025-07-27. Review status: criteria provided, single submitter. Criteria: GeneDx Variant Classification Process June 2021. Collection method: clinical testing. Allele origin: germline.
Comment: In silico analysis suggests that this missense variant does not alter protein structure/function; Has not been previously published as pathogenic or benign to our knowledge

Eurofins Ntd Llc (ga)
Classification: Uncertain significance. Last evaluated: 2016-06-07. Review status: criteria provided, single submitter. Criteria: EGL Classification Definitions 2015. Collection method: clinical testing. Allele origin: germline. Observed: 1 variant allele, 1 heterozygote.